The following is an entry in ClinVar:

NM_000038.6(APC):c.934-4A>G

Gene: APC (APC regulator of Wnt signaling pathway; plus strand). Cytogenetic location: 5q22.2.
Variant type: single nucleotide variant.
Coding change: c.934-4A>G on transcript NM_000038.6 (MANE Select); 4 bases into the intron before coding-DNA position 934, A replaced by G.
Molecular consequence: intron variant.
Genome position (GRCh38, 1-based): chr5:112,818,962, A>G. VCF-style: chr5-112818962-A-G. GRCh37 (hg19) VCF-style: chr5-112154659-A-G.
Other names: c.934-4A>G (NM_001354895.2, NM_001127510.3, NM_001354896.2); c.964-4A>G (NM_001354897.2); c.964-307A>G (NM_001354902.2); c.880-4A>G (NM_001127511.3); c.859-4A>G (NM_001354898.2); c.859-307A>G (NM_001354904.2); c.85-4A>G (NM_001354906.2); c.934-307A>G (NM_001354903.2); and 3 more.
Identifiers: ClinVar variation 1766641 (VCV001766641.5), dbSNP rs2149778568, ClinGen allele CA2578379768.
Genomic context (GRCh38, chr5:112,818,962, plus strand): 5'-AATTGGTTTTTGGCTTTTGGATATTAAAGTCGTAATTTTGTTTCTAAACTCATTTGGCCC[A>G]CAGGTGGAAATGGTGTATTCATTGTTGTCAATGCTTGGTACTCATGATAAGGATGATATG-3'

ClinVar aggregate classification (germline): Likely benign. Review status: criteria provided, multiple submitters, no conflicts (2 of 4 stars). 3 submissions from 3 submitters: Likely benign (3). Last evaluated 2024-12-24.

Conditions:
Hereditary cancer-predisposing syndrome. Also called: Hereditary Cancer Syndrome; Hereditary neoplastic syndrome; Neoplastic Syndromes, Hereditary; Tumor predisposition. Identifiers: Orphanet 140162, MedGen C0027672, MeSH D009386, MONDO:0015356.
Familial adenomatous polyposis 1 (FAP1). Also called: FAMILIAL ADENOMATOUS POLYPOSIS 1, ATTENUATED; POLYPOSIS, ADENOMATOUS INTESTINAL. Identifiers: MedGen C2713442, MONDO:0021056, OMIM 175100. Disease mechanism: loss of function.

Submissions (3):

Labcorp Genetics (formerly Invitae), Labcorp
Classification: Likely benign for Familial adenomatous polyposis 1. Last evaluated: 2024-12-24. Review status: criteria provided, single submitter. Criteria: Invitae Variant Classification Sherloc (09022015). Collection method: clinical testing. Allele origin: germline.

Myriad Genetics, Inc.
Classification: Likely benign for Familial adenomatous polyposis 1. Last evaluated: 2024-02-29. Review status: criteria provided, single submitter. Criteria: Myriad Autosomal Dominant, Autosomal Recessive and X-Linked Classification Criteria (2023). Collection method: clinical testing. Allele origin: unknown.
Comment: This variant is considered likely benign. This variant is intronic and is not expected to impact mRNA splicing.

Ambry Genetics
Classification: Likely benign for Hereditary cancer-predisposing syndrome. Last evaluated: 2023-11-17. Review status: criteria provided, single submitter. Criteria: Ambry Variant Classification Scheme 2023. Collection method: clinical testing. Allele origin: germline.